The following is an entry in ClinVar:

ClinVar aggregate classification (germline): Uncertain significance. Review status: criteria provided, multiple submitters, no conflicts (2 of 4 stars). 2 submissions from 2 submitters: Uncertain significance (2). Last evaluated 2024-06-27.

Conditions:
Familial adenomatous polyposis 1 (FAP1). Also called: POLYPOSIS, ADENOMATOUS INTESTINAL; FAMILIAL ADENOMATOUS POLYPOSIS 1, ATTENUATED. Identifiers: MedGen C2713442, MONDO:0021056, OMIM 175100. Disease mechanism: loss of function.
Hereditary cancer-predisposing syndrome. Also called: Hereditary neoplastic syndrome; Neoplastic Syndromes, Hereditary; Tumor predisposition; Hereditary Cancer Syndrome. Identifiers: Orphanet 140162, MedGen C0027672, MeSH D009386, MONDO:0015356.

Submissions (2):

Ambry Genetics
Classification: Uncertain significance for Hereditary cancer-predisposing syndrome. Last evaluated: 2024-06-27. Review status: criteria provided, single submitter. Criteria: Ambry Variant Classification Scheme 2023. Collection method: clinical testing. Allele origin: germline.
Comment: The c.4264_4269delGATCTT variant (also known as p.D1422_L1423del) is located in coding exon 15 of the APC gene. This variant results from an in-frame GATCTT deletion at nucleotide positions 4264 to 4269. This results in the in-frame deletion of two amino acids at codons 1422 and 1423. This amino acid positions are highly conserved in available vertebrate species. In addition, this alteration is predicted to be deleterious by in silico analysis (Choi Y et al. PLoS ONE. 2012; 7(10):e46688). Since supporting evidence is limited at this time, the clinical significance of this alteration remains unclear.

Labcorp Genetics (formerly Invitae), Labcorp
Classification: Uncertain significance for Familial adenomatous polyposis 1. Last evaluated: 2024-01-30. Review status: criteria provided, single submitter. Criteria: Invitae Variant Classification Sherloc (09022015). Collection method: clinical testing. Allele origin: germline.
Comment: This variant, c.4264_4269del, results in the deletion of 2 amino acid(s) of the APC protein (p.Asp1422_Leu1423del), but otherwise preserves the integrity of the reading frame. This variant is not present in population databases (gnomAD no frequency). This variant has not been reported in the literature in individuals affected with APC-related conditions. ClinVar contains an entry for this variant (Variation ID: 469959). Experimental studies and prediction algorithms are not available or were not evaluated, and the functional significance of this variant is currently unknown. In summary, the available evidence is currently insufficient to determine the role of this variant in disease. Therefore, it has been classified as a Variant of Uncertain Significance.

NM_000038.6(APC):c.4264_4269del (p.Asp1422_Leu1423del)

Gene: APC (APC regulator of Wnt signaling pathway; plus strand). Cytogenetic location: 5q22.2.
Variant type: Deletion.
Coding change: c.4264_4269del on transcript NM_000038.6 (MANE Select); coding-DNA positions 4264 to 4269, 6 bases deleted (GATCTT; older notation c.4264_4269delGATCTT).
Protein change: p.Asp1422_Leu1423del.
Molecular consequence: inframe deletion.
Genome position (GRCh38, 1-based): chr5:112,839,858-112,839,863, GATCTT deleted; deleting any 6 consecutive bases within chr5:112,839,857-112,839,863 gives the same sequence; the c. name uses the placement nearest the transcript's 3' end. VCF-style (leftmost placement, unchanged base first): chr5-112839856-GTGATCT-G. GRCh37 (hg19) VCF-style: chr5-112175553-GTGATCT-G.
Other names: c.4264_4269del, p.Asp1422_Leu1423del (NM_001127510.3, NM_001354895.2); c.4210_4215del, p.Asp1404_Leu1405del (NM_001127511.3); c.4318_4323del, p.Asp1440_Leu1441del (NM_001354896.2); c.4294_4299del, p.Asp1432_Leu1433del (NM_001354897.2); c.4189_4194del, p.Asp1397_Leu1398del (NM_001354898.2); c.4180_4185del, p.Asp1394_Leu1395del (NM_001354899.2); c.4141_4146del, p.Asp1381_Leu1382del (NM_001354900.2); c.4087_4092del, p.Asp1363_Leu1364del (NM_001354901.2); and 5 more.
Identifiers: ClinVar variation 469959 (VCV000469959.9), dbSNP rs1554085690, ClinGen allele CA658655938.